The following is an entry in ClinVar:

NM_000088.4(COL1A1):c.3207+3A>G

Gene: COL1A1 (collagen type I alpha 1 chain; minus strand). Cytogenetic location: 17q21.33.
Variant type: single nucleotide variant.
Coding change: c.3207+3A>G on transcript NM_000088.4 (MANE Select); 3 bases into the intron after coding-DNA position 3207, A replaced by G.
Molecular consequence: intron variant.
Genome position (GRCh38, 1-based): chr17:50,188,527, T>C on the plus strand (A>G on the coding strand, the complement: COL1A1 is on the minus strand). VCF-style: chr17-50188527-T-C. GRCh37 (hg19) VCF-style: chr17-48265888-T-C.
Identifiers: ClinVar variation 1029480 (VCV001029480.1), dbSNP rs1906755287, ClinGen allele CA2263915185.

ClinVar aggregate classification (germline): Uncertain significance (1 of 4 stars; one submission).

Conditions:
Infantile cortical hyperostosis. Also called: Hyperostosis, Cortical, Congenital; Caffey Disease; P1PK BLOOD GROUP SYSTEM, P(2) PHENOTYPE. Identifiers: Orphanet 1310, MedGen C0020497, MONDO:0007244, OMIM 114000.

Allele frequency attached by ClinVar (database versions not stated): gnomAD exomes below 0.00001.
gnomAD v4.1: 1 of 1,613,824 alleles (0.000062%); highest among the groups gnomAD compares: South Asian, 0.0011%; no homozygotes.

Submission:

Baylor Genetics
Classification: Uncertain significance for Infantile cortical hyperostosis. Last evaluated: 2019-06-10. Review status: criteria provided, single submitter. Criteria: ACMG Guidelines, 2015. Collection method: clinical testing. Allele origin: unknown. Affected: yes.
Comment: This variant was determined to be of uncertain significance according to ACMG Guidelines, 2015 [PMID:25741868].